The following is an entry in ClinVar:

NM_001205293.3(CACNA1E):c.5706G>A (p.Met1902Ile)

Gene: CACNA1E (calcium voltage-gated channel subunit alpha1 E; plus strand). Cytogenetic location: 1q25.3.
Variant type: single nucleotide variant.
Coding change: c.5706G>A on transcript NM_001205293.3 (MANE Select); coding-DNA position 5706, G replaced by A.
Protein change: p.Met1902Ile; replaces methionine 1902 with isoleucine.
Molecular consequence: missense variant.
Genome position (GRCh38, 1-based): chr1:181,785,739, G>A. VCF-style: chr1-181785739-G-A. GRCh37 (hg19) VCF-style: chr1-181754875-G-A.
Other names: c.5706G>A, p.Met1902Ile (NM_000721.4); c.5649G>A, p.Met1883Ile (NM_001205294.2); short protein forms M1883I, M1902I.
Identifiers: ClinVar variation 1523053 (VCV001523053.8), dbSNP rs1339929154, ClinGen allele CA343631690.

ClinVar aggregate classification (germline): Uncertain significance (1 of 4 stars; one submission).

Allele frequency attached by ClinVar (database versions not stated): TOPMed 0.00001.

Submission:

Labcorp Genetics (formerly Invitae), Labcorp
Classification: Uncertain significance. Last evaluated: 2021-06-07. Review status: criteria provided, single submitter. Criteria: Invitae Variant Classification Sherloc (09022015). Collection method: clinical testing. Allele origin: germline.
Comment: This sequence change replaces methionine with isoleucine at codon 1902 of the CACNA1E protein (p.Met1902Ile). The methionine residue is highly conserved and there is a small physicochemical difference between methionine and isoleucine. This variant is not present in population databases (ExAC no frequency). This variant has not been reported in the literature in individuals with CACNA1E-related conditions. Advanced modeling of protein sequence and biophysical properties (such as structural, functional, and spatial information, amino acid conservation, physicochemical variation, residue mobility, and thermodynamic stability) performed at Invitae indicates that this missense variant is not expected to disrupt CACNA1E protein function. In summary, the available evidence is currently insufficient to determine the role of this variant in disease. Therefore, it has been classified as a Variant of Uncertain Significance.